The following is an entry in ClinVar:

NM_002905.5(RDH5):c.718G>T (p.Ala240Ser)

Genes: BLOC1S1-RDH5 (BLOC1S1-RDH5 readthrough; plus strand), CD63 (CD63 molecule; minus strand), RDH5 (retinol dehydrogenase 5; plus strand). Cytogenetic location: 12q13.2.
Variant type: single nucleotide variant.
Coding change: c.718G>T on transcript NM_002905.5 (MANE Select); coding-DNA position 718, G replaced by T.
Protein change: p.Ala240Ser; replaces alanine 240 with serine.
Molecular consequence: missense variant. On other transcripts: non-coding transcript variant (1).
Genome position (GRCh38, 1-based): chr12:55,724,034, G>T. VCF-style: chr12-55724034-G-T. GRCh37 (hg19) VCF-style: chr12-56117818-G-T.
Other names: c.718G>T, p.Ala240Ser (NM_001199771.3); short protein forms A240S.
Identifiers: ClinVar variation 1505986 (VCV001505986.8), dbSNP rs766393665, ClinGen allele CA6616922.

ClinVar aggregate classification (germline): Uncertain significance (1 of 4 stars; one submission).

Allele frequency attached by ClinVar (database versions not stated): TOPMed below 0.00001; ExAC 0.00001; gnomAD exomes 0.00001.
gnomAD v4.1: 5 of 1,610,882 alleles (0.00031%); highest among the groups gnomAD compares: Admixed American, 0.0017%; no homozygotes.

Submission:

Labcorp Genetics (formerly Invitae), Labcorp
Classification: Uncertain significance. Last evaluated: 2022-06-13. Review status: criteria provided, single submitter. Criteria: Invitae Variant Classification Sherloc (09022015). Collection method: clinical testing. Allele origin: germline.
Comment: In summary, the available evidence is currently insufficient to determine the role of this variant in disease. Therefore, it has been classified as a Variant of Uncertain Significance. Algorithms developed to predict the effect of missense changes on protein structure and function (SIFT, PolyPhen-2, Align-GVGD) all suggest that this variant is likely to be tolerated. This variant has not been reported in the literature in individuals affected with RDH5-related conditions. This variant is present in population databases (rs766393665, gnomAD 0.0009%). This sequence change replaces alanine, which is neutral and non-polar, with serine, which is neutral and polar, at codon 240 of the RDH5 protein (p.Ala240Ser).